The following is an entry in ClinVar:

ClinVar aggregate classification (germline): Likely benign (1 of 4 stars; one submission).

Conditions:
CD2AP-related disorder. Also called: CD2AP-related condition.

gnomAD v4.1: 9 of 1,609,342 alleles (0.00056%); highest among the groups gnomAD compares: South Asian, 0.0099%; no homozygotes.

Submission:

PreventionGenetics, part of Exact Sciences
Classification: Likely benign for CD2AP-related condition. Last evaluated: 2024-10-23. Review status: criteria provided, single submitter. Criteria: ACMG Guidelines, 2015. Collection method: clinical testing. Allele origin: germline.
Comment: This variant is classified as likely benign based on ACMG/AMP sequence variant interpretation guidelines (Richards et al. 2015 PMID: 25741868, with internal and published modifications).

NM_012120.3(CD2AP):c.1109-5C>G

Gene: CD2AP (CD2 associated protein; plus strand). Cytogenetic location: 6p12.3.
Variant type: single nucleotide variant.
Coding change: c.1109-5C>G on transcript NM_012120.3 (MANE Select); 5 bases into the intron before coding-DNA position 1109, C replaced by G.
Molecular consequence: intron variant.
Genome position (GRCh38, 1-based): chr6:47,595,856, C>G. VCF-style: chr6-47595856-C-G. GRCh37 (hg19) VCF-style: chr6-47563592-C-G.
Identifiers: ClinVar variation 4985114 (VCV004985114.1).
Genomic context (GRCh38, chr6:47,595,856, plus strand): 5'-TTTGGAAATAGAAAAACCTAAATAATTTTGATTGTTAATAACTTGTGAAATATTTTAAAT[C>G]TTAGATGAAAAATCAACACTGGAACAGAAACCTTCTAAACCAGCAGCTCCACAAGTCCCA-3'